The following is an entry in ClinVar:

ClinVar aggregate classification (germline): Uncertain significance (1 of 4 stars; one submission).

Allele frequency attached by ClinVar (database versions not stated): ExAC 0.00003.
gnomAD v4.1: 21 of 1,613,340 alleles (0.0013%); highest among the groups gnomAD compares: Admixed American, 0.01%; no homozygotes.

Submission:

Labcorp Genetics (formerly Invitae), Labcorp
Classification: Uncertain significance. Last evaluated: 2025-11-10. Review status: criteria provided, single submitter. Criteria: Invitae Variant Classification Sherloc (09022015). Collection method: clinical testing. Allele origin: germline.
Comment: This sequence change replaces arginine, which is basic and polar, with leucine, which is neutral and non-polar, at codon 621 of the TCF3 protein (p.Arg621Leu). This variant is present in population databases (rs779908158, gnomAD 0.02%). This variant has not been reported in the literature in individuals affected with TCF3-related conditions. ClinVar contains an entry for this variant (Variation ID: 2993764). Invitae Evidence Modeling of protein sequence and biophysical properties (such as structural, functional, and spatial information, amino acid conservation, physicochemical variation, residue mobility, and thermodynamic stability) indicates that this missense variant is expected to disrupt TCF3 protein function with a positive predictive value of 80%. In summary, the available evidence is currently insufficient to determine the role of this variant in disease. Therefore, it has been classified as a Variant of Uncertain Significance.

NM_003200.5(TCF3):c.1862G>T (p.Arg621Leu)

Gene: TCF3 (transcription factor 3; minus strand). Cytogenetic location: 19p13.3.
Variant type: single nucleotide variant.
Coding change: c.1862G>T on transcript NM_003200.5 (MANE Select); coding-DNA position 1862, G replaced by T.
Protein change: p.Arg621Leu; replaces arginine 621 with leucine.
Molecular consequence: missense variant.
Genome position (GRCh38, 1-based): chr19:1,611,810, C>A on the plus strand (G>T on the coding strand, the complement: TCF3 is on the minus strand). VCF-style: chr19-1611810-C-A. GRCh37 (hg19) VCF-style: chr19-1611809-C-A.
Other names: c.1853G>T, p.Arg618Leu (NM_001136139.4, NM_001351779.2); c.1859G>T, p.Arg620Leu (NM_001351778.2); short protein forms R620L, R618L, R621L.
Identifiers: ClinVar variation 2993764 (VCV002993764.3), dbSNP rs779908158, ClinGen allele CA9049518.
Genomic context (GRCh38, chr19:1,611,810, plus strand): 5'-TGGGGAGCTGAAAGCACCATCTGGGGGTCTCCAACCACACCTGACACCTTTTCCTCTTCT[C>A]GCCGTTTCAAACAGGCTGCTTTGGGATTCAGGTTCCGCTCTGGAGGGAGGGGGGAGAGCT-3'
Protein context (NP_003191.1, residues 611-631): LNPKAACLKR[Arg621Leu]EEEKVSGVVG